The following is an entry in ClinVar:

ClinVar aggregate classification (germline): Uncertain significance (1 of 4 stars; one submission).

Conditions:
Hereditary cancer-predisposing syndrome. Also called: Tumor predisposition; Hereditary neoplastic syndrome; Neoplastic Syndromes, Hereditary; Hereditary Cancer Syndrome. Identifiers: Orphanet 140162, MedGen C0027672, MeSH D009386, MONDO:0015356.

gnomAD v4.1: 1 of 1,587,806 alleles (0.000063%); no homozygotes.

Submission:

Ambry Genetics
Classification: Uncertain significance for Hereditary cancer-predisposing syndrome. Last evaluated: 2025-04-17. Review status: criteria provided, single submitter. Criteria: Ambry Variant Classification Scheme 2023. Collection method: clinical testing. Allele origin: germline.
Comment: The p.A213G variant (also known as c.638C>G), located in coding exon 6 of the EPCAM gene, results from a C to G substitution at nucleotide position 638. The alanine at codon 213 is replaced by glycine, an amino acid with similar properties. This amino acid position is conserved. In addition, the in silico prediction for this alteration is inconclusive. Based on the available evidence, the clinical significance of this variant remains unclear.

NM_002354.3(EPCAM):c.638C>G (p.Ala213Gly)

Gene: EPCAM (epithelial cell adhesion molecule; plus strand). Cytogenetic location: 2p21.
Variant type: single nucleotide variant.
Coding change: c.638C>G on transcript NM_002354.3 (MANE Select); coding-DNA position 638, C replaced by G.
Protein change: p.Ala213Gly; replaces alanine 213 with glycine.
Molecular consequence: missense variant.
Genome position (GRCh38, 1-based): chr2:47,379,035, C>G. VCF-style: chr2-47379035-C-G. GRCh37 (hg19) VCF-style: chr2-47606174-C-G.
Other names: short protein forms A213G.
Identifiers: ClinVar variation 4018552 (VCV004018552.1).